The following is an entry in ClinVar:

ClinVar aggregate classification (germline): Uncertain significance (1 of 4 stars; one submission).

Conditions:
Lymphoproliferative syndrome 1 (LPFS1). Identifiers: Orphanet 238505, Orphanet 538963, MedGen C3552634, MONDO:0013081, OMIM 613011.

Allele frequency attached by ClinVar (database versions not stated): TOPMed 0.00001; ExAC 0.00002; gnomAD 0.00003.
gnomAD v4.1: 10 of 1,613,602 alleles (0.00062%); highest among the groups gnomAD compares: African/African-American, 0.0013%; no homozygotes.

Submission:

Labcorp Genetics (formerly Invitae), Labcorp
Classification: Uncertain significance for Lymphoproliferative syndrome 1. Last evaluated: 2022-04-24. Review status: criteria provided, single submitter. Criteria: Invitae Variant Classification Sherloc (09022015). Collection method: clinical testing. Allele origin: germline.
Comment: This sequence change replaces alanine, which is neutral and non-polar, with serine, which is neutral and polar, at codon 616 of the ITK protein (p.Ala616Ser). This variant is present in population databases (rs767280421, gnomAD 0.004%). This variant has not been reported in the literature in individuals affected with ITK-related conditions. Advanced modeling of protein sequence and biophysical properties (such as structural, functional, and spatial information, amino acid conservation, physicochemical variation, residue mobility, and thermodynamic stability) performed at Invitae indicates that this missense variant is not expected to disrupt ITK protein function. In summary, the available evidence is currently insufficient to determine the role of this variant in disease. Therefore, it has been classified as a Variant of Uncertain Significance.

NM_005546.4(ITK):c.1846G>T (p.Ala616Ser)

Gene: ITK (IL2 inducible T cell kinase; plus strand). Cytogenetic location: 5q33.3.
Variant type: single nucleotide variant.
Coding change: c.1846G>T on transcript NM_005546.4 (MANE Select); coding-DNA position 1846, G replaced by T.
Protein change: p.Ala616Ser; replaces alanine 616 with serine.
Molecular consequence: missense variant.
Genome position (GRCh38, 1-based): chr5:157,252,661, G>T. VCF-style: chr5-157252661-G-T. GRCh37 (hg19) VCF-style: chr5-156679671-G-T.
Other names: short protein forms A616S.
Identifiers: ClinVar variation 2073773 (VCV002073773.1), dbSNP rs767280421, ClinGen allele CA3533228.